The following is an entry in ClinVar:

ClinVar aggregate classification (germline): Uncertain significance. Review status: criteria provided, multiple submitters, no conflicts (2 of 4 stars). 2 submissions from 2 submitters: Uncertain significance (2). Last evaluated 2022-10-17.

Conditions:
Microcephaly, normal intelligence and immunodeficiency (NBS). Also called: Immunodeficiency, microcephaly with normal intelligence; SEEMANOVA SYNDROME II; Nijmegen breakage syndrome; Microcephaly with normal intelligence immunodeficiency and lymphoreticular malignancies; Nonsyndromal microcephaly autosomal recessive with normal intelligence; Seemanova syndrome 2. Identifiers: Orphanet 647, MedGen C0398791, MONDO:0009623, OMIM 251260.
Hereditary cancer-predisposing syndrome. Also called: Hereditary Cancer Syndrome; Neoplastic Syndromes, Hereditary; Tumor predisposition; Hereditary neoplastic syndrome. Identifiers: Orphanet 140162, MedGen C0027672, MeSH D009386, MONDO:0015356.

Allele frequency attached by ClinVar (database versions not stated): gnomAD exomes below 0.00001; ExAC 0.00001.
gnomAD v4.1: 2 of 1,613,556 alleles (0.00012%); highest among the groups gnomAD compares: East Asian, 0.0022%; no homozygotes.

Submissions (2):

Labcorp Genetics (formerly Invitae), Labcorp
Classification: Uncertain significance for Microcephaly, normal intelligence and immunodeficiency. Last evaluated: 2022-10-17. Review status: criteria provided, single submitter. Criteria: Invitae Variant Classification Sherloc (09022015). Collection method: clinical testing. Allele origin: germline.
Comment: This variant is present in population databases (rs760911186, gnomAD 0.006%). In summary, the available evidence is currently insufficient to determine the role of this variant in disease. Therefore, it has been classified as a Variant of Uncertain Significance. Algorithms developed to predict the effect of missense changes on protein structure and function (SIFT, PolyPhen-2, Align-GVGD) all suggest that this variant is likely to be tolerated. ClinVar contains an entry for this variant (Variation ID: 639709). This variant has not been reported in the literature in individuals affected with NBN-related conditions. This sequence change replaces alanine, which is neutral and non-polar, with valine, which is neutral and non-polar, at codon 542 of the NBN protein (p.Ala542Val).

Ambry Genetics
Classification: Uncertain significance for Hereditary cancer-predisposing syndrome. Last evaluated: 2020-01-22. Review status: criteria provided, single submitter. Criteria: Ambry Variant Classification Scheme 2023. Collection method: clinical testing. Allele origin: germline.
Comment: The p.A542V variant (also known as c.1625C>T), located in coding exon 11 of the NBN gene, results from a C to T substitution at nucleotide position 1625. The alanine at codon 542 is replaced by valine, an amino acid with similar properties. This amino acid position is poorly conserved in available vertebrate species. In addition, this alteration is predicted to be tolerated by in silico analysis. Since supporting evidence is limited at this time, the clinical significance of this alteration remains unclear.

NM_002485.5(NBN):c.1625C>T (p.Ala542Val)

Gene: NBN (nibrin; minus strand). Cytogenetic location: 8q21.3.
Variant type: single nucleotide variant.
Coding change: c.1625C>T on transcript NM_002485.5 (MANE Select); coding-DNA position 1625, C replaced by T.
Protein change: p.Ala542Val; replaces alanine 542 with valine.
Molecular consequence: missense variant.
Genome position (GRCh38, 1-based): chr8:89,953,464, G>A on the plus strand (C>T on the coding strand, the complement: NBN is on the minus strand). VCF-style: chr8-89953464-G-A. GRCh37 (hg19) VCF-style: chr8-90965692-G-A.
Other names: c.1379C>T, p.Ala460Val (NM_001024688.3); short protein forms A542V, A460V.
Identifiers: ClinVar variation 639709 (VCV000639709.11), dbSNP rs760911186, ClinGen allele CA4802698.